The following is an entry in ClinVar:

ClinVar aggregate classification (germline): Uncertain significance. Review status: criteria provided, multiple submitters, no conflicts (2 of 4 stars). 8 submissions from 8 submitters: Uncertain significance (8). Last evaluated 2025-06-29.

Conditions:
Hereditary cancer-predisposing syndrome. Also called: Neoplastic Syndromes, Hereditary; Hereditary Cancer Syndrome; Tumor predisposition; Hereditary neoplastic syndrome. Identifiers: Orphanet 140162, MedGen C0027672, MeSH D009386, MONDO:0015356.
Fanconi anemia complementation group J. Also called: BRIP1-Related Fanconi Anemia. Identifiers: Orphanet 84, MedGen C1836860, MONDO:0012187, OMIM 609054.
Familial cancer of breast. Also called: hereditary breast carcinoma; Hereditary breast cancer; BREAST CANCER, FAMILIAL. Identifiers: Orphanet 227535, MedGen C0346153, MONDO:0016419, OMIM 114480. Disease mechanism: loss of function.

Allele frequency attached by ClinVar (database versions not stated): gnomAD exomes below 0.00001.
gnomAD v4.1: 2 of 1,611,886 alleles (0.00012%); highest among the groups gnomAD compares: Middle Eastern, 0.017%; no homozygotes.

Submissions (8):

Labcorp Genetics (formerly Invitae), Labcorp
Classification: Uncertain significance for Familial cancer of breast; Fanconi anemia complementation group J. Last evaluated: 2025-06-29. Review status: criteria provided, single submitter. Criteria: Invitae Variant Classification Sherloc (09022015). Collection method: clinical testing. Allele origin: germline.
Comment: This sequence change replaces isoleucine, which is neutral and non-polar, with valine, which is neutral and non-polar, at codon 1231 of the BRIP1 protein (p.Ile1231Val). This variant is not present in population databases (gnomAD no frequency). This variant has not been reported in the literature in individuals affected with BRIP1-related conditions. ClinVar contains an entry for this variant (Variation ID: 231673). Invitae Evidence Modeling of protein sequence and biophysical properties (such as structural, functional, and spatial information, amino acid conservation, physicochemical variation, residue mobility, and thermodynamic stability) indicates that this missense variant is not expected to disrupt BRIP1 protein function with a negative predictive value of 95%. In summary, the available evidence is currently insufficient to determine the role of this variant in disease. Therefore, it has been classified as a Variant of Uncertain Significance.

KCCC/NGS Laboratory, Kuwait Cancer Control Center
Classification: Uncertain significance for Familial cancer of breast. Last evaluated: 2025-03-06. Review status: criteria provided, single submitter. Criteria: ACMG Guidelines, 2015. Collection method: clinical testing. Allele origin: germline. Inheritance: Autosomal dominant inheritance. Affected: yes. Observed: 1 heterozygote.
Comment: This sequence change replaces isoleucine, which is neutral and non-polar, with valine, which is neutral and non-polar, at codon 1231 of the BRIP1 protein (p.Ile1231Val). This amino acid position is not well conserved . This variant is not present in population databases (gnomAD no frequency). This variant has not been reported in the literature in individuals affected with BRIP1-related conditions. ClinVar contains an entry for this variant (Variation ID: 231673). In addition, this alteration is predicted to be tolerated by in silico analysis. In summary, the available evidence is currently insufficient to determine the role of this variant in disease. Therefore, it has been classified as a Variant of Uncertain Significance. Pathogenic/likely pathogenic variants in the BRIP1 gene cause susceptibility to earlyonset breast cancer (OMIM 114480).

Center for Genomic Medicine, Rigshospitalet, Copenhagen University Hospital
Classification: Uncertain significance. Last evaluated: 2025-03-04. Review status: criteria provided, single submitter. Criteria: ACMG Guidelines, 2015. Collection method: clinical testing. Allele origin: germline.

Blueprint Genetics
Classification: Uncertain significance. Last evaluated: 2024-07-29. Review status: criteria provided, single submitter. Criteria: ACMG Guidelines, 2015. Collection method: clinical testing. Allele origin: germline.

Baylor Genetics
Classification: Uncertain significance for Familial cancer of breast. Last evaluated: 2023-10-18. Review status: criteria provided, single submitter. Criteria: ACMG Guidelines, 2015. Collection method: clinical testing. Allele origin: unknown.

Ambry Genetics
Classification: Uncertain significance for Hereditary cancer-predisposing syndrome. Last evaluated: 2023-09-07. Review status: criteria provided, single submitter. Criteria: Ambry Variant Classification Scheme 2023. Collection method: clinical testing. Allele origin: germline.
Comment: The p.I1231V variant (also known as c.3691A>G), located in coding exon 19 of the BRIP1 gene, results from an A to G substitution at nucleotide position 3691. The isoleucine at codon 1231 is replaced by valine, an amino acid with highly similar properties. This amino acid position is not well conserved in available vertebrate species. In addition, this alteration is predicted to be tolerated by in silico analysis. Since supporting evidence is limited at this time, the clinical significance of this alteration remains unclear.

Mendelics
Classification: Uncertain significance for Familial cancer of breast. Last evaluated: 2019-05-28. Review status: criteria provided, single submitter. Criteria: Mendelics Assertion Criteria 2017. Collection method: clinical testing. Allele origin: unknown.

Color Diagnostics, LLC DBA Color Health
Classification: Uncertain significance for Hereditary cancer-predisposing syndrome. Last evaluated: 2019-04-17. Review status: criteria provided, single submitter. Criteria: ACMG Guidelines, 2015. Collection method: clinical testing. Allele origin: germline.

NM_032043.3(BRIP1):c.3691A>G (p.Ile1231Val)

Gene: BRIP1 (BRCA1 interacting DNA helicase 1; minus strand). Cytogenetic location: 17q23.2.
Variant type: single nucleotide variant.
Coding change: c.3691A>G on transcript NM_032043.3 (MANE Select); coding-DNA position 3691, A replaced by G.
Protein change: p.Ile1231Val; replaces isoleucine 1231 with valine.
Molecular consequence: missense variant.
Genome position (GRCh38, 1-based): chr17:61,683,355, T>C on the plus strand (A>G on the coding strand, the complement: BRIP1 is on the minus strand). VCF-style: chr17-61683355-T-C. GRCh37 (hg19) VCF-style: chr17-59760716-T-C.
Other names: short protein forms I1231V.
Identifiers: ClinVar variation 231673 (VCV000231673.22), dbSNP rs876659290, ClinGen allele CA10580768.